The following is an entry in ClinVar:

NM_013432.5(TONSL):c.750+13C>A

Gene: TONSL (tonsoku like, DNA repair protein; minus strand). Cytogenetic location: 8q24.3.
Variant type: single nucleotide variant.
Coding change: c.750+13C>A on transcript NM_013432.5 (MANE Select); 13 bases into the intron after coding-DNA position 750, C replaced by A.
Molecular consequence: intron variant.
Genome position (GRCh38, 1-based): chr8:144,442,228, G>T on the plus strand (C>A on the coding strand, the complement: TONSL is on the minus strand). VCF-style: chr8-144442228-G-T. GRCh37 (hg19) VCF-style: chr8-145667611-G-T.
Identifiers: ClinVar variation 1525722 (VCV001525722.8), dbSNP rs1319771886, ClinGen allele CA2573143034.
Genomic context (GRCh38, chr8:144,442,228, plus strand): 5'-AGCAAAGGTTTTGCAGAATCCCCAAGGCCCGAATCTACGAGAGCCTGAGCTCGGAGCCAC[G>T]CACAGCGGGTACCTGTGCAATAACCACGCAGCACTCGCTCTCCATGAACCGCTTCCTCAT-3'

ClinVar aggregate classification (germline): Uncertain significance (1 of 4 stars; one submission).

Submission:

Labcorp Genetics (formerly Invitae), Labcorp
Classification: Uncertain significance. Last evaluated: 2022-07-06. Review status: criteria provided, single submitter. Criteria: Invitae Variant Classification Sherloc (09022015). Collection method: clinical testing. Allele origin: germline.
Comment: This variant is not present in population databases (gnomAD no frequency). This variant has not been reported in the literature in individuals affected with TONSL-related conditions. ClinVar contains an entry for this variant (Variation ID: 1525722). Algorithms developed to predict the effect of sequence changes on RNA splicing suggest that this variant may create or strengthen a splice site. In summary, the available evidence is currently insufficient to determine the role of this variant in disease. Therefore, it has been classified as a Variant of Uncertain Significance. This sequence change falls in intron 6 of the TONSL gene. It does not directly change the encoded amino acid sequence of the TONSL protein.